The following is an entry in ClinVar:

NM_000540.3(RYR1):c.5123C>A (p.Ala1708Glu)

Gene: RYR1 (ryanodine receptor 1; plus strand). Cytogenetic location: 19q13.2.
Variant type: single nucleotide variant.
Coding change: c.5123C>A on transcript NM_000540.3 (MANE Select); coding-DNA position 5123, C replaced by A.
Protein change: p.Ala1708Glu; replaces alanine 1708 with glutamic acid.
Molecular consequence: missense variant.
Genome position (GRCh38, 1-based): chr19:38,485,778, C>A. VCF-style: chr19-38485778-C-A. GRCh37 (hg19) VCF-style: chr19-38976418-C-A.
Other names: c.5123C>A, p.Ala1708Glu (NM_001042723.2); short protein forms A1708E.
Identifiers: ClinVar variation 4802119 (VCV004802119.1).

ClinVar aggregate classification (germline): Uncertain significance (1 of 4 stars; one submission).

Conditions:
RYR1-related disorder. Also called: RYR1-related condition; RYR1-related disorders. Identifiers: MedGen CN239331.

Submission:

Labcorp Genetics (formerly Invitae), Labcorp
Classification: Uncertain significance for RYR1-related disorder. Last evaluated: 2025-03-16. Review status: criteria provided, single submitter. Criteria: Invitae Variant Classification Sherloc (09022015). Collection method: clinical testing. Allele origin: germline.
Comment: This sequence change replaces alanine, which is neutral and non-polar, with glutamic acid, which is acidic and polar, at codon 1708 of the RYR1 protein (p.Ala1708Glu). This variant is not present in population databases (gnomAD no frequency). This variant has not been reported in the literature in individuals affected with RYR1-related conditions. Invitae Evidence Modeling of protein sequence and biophysical properties (such as structural, functional, and spatial information, amino acid conservation, physicochemical variation, residue mobility, and thermodynamic stability) indicates that this missense variant is not expected to disrupt RYR1 protein function with a negative predictive value of 80%. In summary, the available evidence is currently insufficient to determine the role of this variant in disease. Therefore, it has been classified as a Variant of Uncertain Significance.